The following is an entry in ClinVar:

ClinVar aggregate classification (germline): Uncertain significance (1 of 4 stars; one submission).

Submission:

Labcorp Genetics (formerly Invitae), Labcorp
Classification: Uncertain significance. Last evaluated: 2025-08-26. Review status: criteria provided, single submitter. Criteria: Invitae Variant Classification Sherloc (09022015). Collection method: clinical testing. Allele origin: germline.
Comment: This sequence change replaces lysine, which is basic and polar, with glutamine, which is neutral and polar, at codon 418 of the PDE3A protein (p.Lys418Gln). This variant is not present in population databases (gnomAD no frequency). This variant has not been reported in the literature in individuals affected with PDE3A-related conditions. ClinVar contains an entry for this variant (Variation ID: 2812759). An algorithm developed to predict the effect of missense changes on protein structure and function (PolyPhen-2) suggests that this variant is likely to be disruptive. In summary, the available evidence is currently insufficient to determine the role of this variant in disease. Therefore, it has been classified as a Variant of Uncertain Significance.

NM_000921.5(PDE3A):c.1252A>C (p.Lys418Gln)

Gene: PDE3A (phosphodiesterase 3A; plus strand). Cytogenetic location: 12p12.2.
Variant type: single nucleotide variant.
Coding change: c.1252A>C on transcript NM_000921.5 (MANE Select); coding-DNA position 1252, A replaced by C.
Protein change: p.Lys418Gln; replaces lysine 418 with glutamine.
Molecular consequence: missense variant.
Genome position (GRCh38, 1-based): chr12:20,613,683, A>C. VCF-style: chr12-20613683-A-C. GRCh37 (hg19) VCF-style: chr12-20766617-A-C.
Other names: c.289A>C, p.Lys97Gln (NM_001378408.1); c.286A>C, p.Lys96Gln (NM_001378409.1, NM_001244683.2); c.1252A>C, p.Lys418Gln (NM_001378407.1); short protein forms K97Q, K418Q, K96Q.
Identifiers: ClinVar variation 2812759 (VCV002812759.3), dbSNP rs2497973488, ClinGen allele CA384071492.